The following is an entry in ClinVar:

NM_000552.5(VWF):c.5170+10C>T

Gene: VWF (von Willebrand factor; minus strand). Cytogenetic location: 12p13.31.
Variant type: single nucleotide variant.
Coding change: c.5170+10C>T on transcript NM_000552.5 (MANE Select); 10 bases into the intron after coding-DNA position 5170, C replaced by T.
Molecular consequence: intron variant.
Genome position (GRCh38, 1-based): chr12:6,016,744, G>A on the plus strand (C>T on the coding strand, the complement: VWF is on the minus strand). VCF-style: chr12-6016744-G-A. GRCh37 (hg19) VCF-style: chr12-6125910-G-A.
Other names: p.?.
Identifiers: ClinVar variation 100418 (VCV000100418.34), dbSNP rs61750601, ClinGen allele CA228702.
Genomic context (GRCh38, chr12:6,016,744, plus strand): 5'-TTTTGAATCAAGTAGAGCCACAAAAAGAGCCTCTTCGTCACCTGCTGCTTCAGGTGCCTC[G>A]CTCACCCACCTATATTGGCTTTTGAAATGAAAGCCTTGGCGAAACTCTTCATTTCATCAA-3'

ClinVar aggregate classification (germline): Conflicting classifications of pathogenicity. Review status: criteria provided, conflicting classifications (1 of 4 stars). 10 submissions from 10 submitters: Uncertain significance (2); Benign (3); Likely benign (3). 2 of the submissions do not count toward it. Last evaluated 2026-08-01.

Conditions:
von Willebrand disease type 1 (VWD1). Also called: VWD, TYPE 1; VON WILLEBRAND DISEASE, TYPE I. Identifiers: Orphanet 166078, Orphanet 903, MedGen C1264039, MONDO:0008668, OMIM 193400. Inheritance: autosomal recessive or autosomal dominant.
Hereditary von Willebrand disease. Identifiers: Orphanet 903, MedGen C5703318, MONDO:0019565. Inheritance: Autosomal recessive or Autosomal dominant.
von Willebrand disease type 3 (VWD3). Also called: Type 3 Von Willebrand's disease; Type 3 VWD; Von Willebrand disease, severe form; V WD3; VON WILLEBRAND DISEASE, TYPE III. Identifiers: Orphanet 166096, MedGen C1264041, MONDO:0010191, OMIM 277480.

Allele frequency attached by ClinVar (database versions not stated): 1000 Genomes Project 0.00300; TOPMed 0.00315; 1000 Genomes Project 30x 0.00328; ESP Exome Variant Server 0.00338; ExAC 0.00363; gnomAD 0.00395 and 0.00400; gnomAD exomes 0.00403.
gnomAD v4.1: 6,921 of 1,614,122 alleles (0.43%); highest among the groups gnomAD compares: Non-Finnish European, 0.45%; 27 homozygotes.

Submissions (14):

CeGaT Center for Human Genetics Tuebingen
Classification: Benign. Last evaluated: 2026-08-01. Review status: criteria provided, single submitter. Criteria: CeGaT Center For Human Genetics Tuebingen Variant Classification Criteria Version 2. Collection method: clinical testing. Allele origin: germline. Affected: yes. Observed: 1 variant allele.
Comment: VWF: BP7:Strong, BS1

GeneDx
Classification: Uncertain significance. Last evaluated: 2025-11-12. Review status: criteria provided, single submitter. Criteria: GeneDx Variant Classification Process June 2021. Collection method: clinical testing. Allele origin: germline.
Comment: Observed in patients with features of von Willebrand disease in published literature, however, the variant was seen with other VWF variant(s) on the same allele and/or another VWF variant on the opposite allele (in trans) in most cases (PMID: 12737944, 26988807, 28971901, 35446929, 21251206); Identified in the heterozygous state in patients with von Willebrand disease type 1, however, the variant was also observed in unaffected family members (PMID: 17080221, 16985174); Studies of mRNA from patient leukocytes suggest normal mRNA processing, however additional studies are needed to validate the functional effect of this variant (PMID: 21251206); In silico analysis supports a deleterious effect on splicing; This variant is associated with the following publications: (PMID: 16985174, 26988807, 11057846, 28971901, 34426522, 33550700, Alesci2023[casereport], 35446929, 12737944, 17080221, 21251206)

ARUP Laboratories, Molecular Genetics and Genomics, ARUP Laboratories
Classification: Benign. Last evaluated: 2025-05-23. Review status: criteria provided, single submitter. Criteria: ARUP Molecular Germline Variant Investigation Process 2024. Collection method: clinical testing. Allele origin: germline.

Mayo Clinic Laboratories, Mayo Clinic
Classification: Likely benign. Last evaluated: 2025-05-12. Review status: criteria provided, single submitter. Criteria: ACMG Guidelines, 2015. Collection method: clinical testing. Allele origin: germline. Observed: 4 variant alleles.
Comment: BS1, BS2, PP3

Women's Health and Genetics/Laboratory Corporation of America, LabCorp
Classification: Likely benign. Last evaluated: 2023-11-28. Review status: criteria provided, single submitter. Criteria: LabCorp Variant Classification Summary - May 2015. Collection method: clinical testing. Allele origin: germline.
Comment: Variant summary: VWF c.5170+10C>T alters a non-conserved nucleotide located at a position not widely known to affect splicing. Consensus agreement among computation tools predict no significant impact on normal splicing. Consistently, functional studies evaluating an impact on splicing have identified no visible splicing impact in leukocytes and platelets (example, Corrales_2011). The variant allele was found at a frequency of 0.004 in 251476 control chromosomes in the gnomAD database, including 4 homozygotes. c.5170+10C>T has been reported in the literature as a compound heterozygous and compound homozygous genotype in individuals affected with Von Willebrand Disease type I, type 1H and type 3 (example, Baronciani_2000, Borras_2017, Ornaghi_2021), without strong evidence for causality. These data do not allow any conclusion about variant significance. Multiple reports of co-occurrences with another pathogenic variant in cis have been reported (VWF c.7730-1G>C, Borras_2017, Corrales_2011), providing supporting evidence for a benign role. The following publications have been ascertained in the context of this evaluation (PMID: 11057846, 28971901, 21251206, 33550700). Six submitters have cited clinical-significance assessments for this variant to ClinVar after 2014. Multiple submitters reported the variant with conflicting assessments (VUS, n=3; Benign/Likely benign, n=3). Based on the evidence outlined above, the variant was classified as likely benign.

Laboratory of Hematology, Radboud University Medical Center
Classification: Likely benign for von Willebrand disease type 1. Last evaluated: 2020-12-10. Review status: criteria provided, single submitter. Criteria: ACMG Guidelines, 2015. Collection method: research. Allele origin: germline. Affected: yes. Observed: 2 variant alleles. Study: WIN study.

Quest Diagnostics Nichols Institute San Juan Capistrano
Classification: Benign. Last evaluated: 2020-09-22. Review status: criteria provided, single submitter. Criteria: Quest Diagnostics criteria. Collection method: clinical testing. Allele origin: unknown.

Illumina Laboratory Services, Illumina
Classification: Uncertain significance for von Willebrand disorder. Last evaluated: 2017-04-27. Review status: criteria provided, single submitter. Criteria: ICSL Variant Classification Criteria 13 December 2019. Collection method: clinical testing. Allele origin: germline.
Comment: This variant was observed as part of a predisposition screen in an ostensibly healthy population. A literature search was performed for the gene, cDNA change, and amino acid change (where applicable). Publications were found based on this search. However, the evidence from the literature, in combination with allele frequency data from public databases where available, was not sufficient to rule this variant in or out of causing disease. Therefore, this variant is classified as a variant of unknown significance.

Angelo Bianchi Bonomi Hemophilia and Thrombosis Center, Fondazione IRCCS Ca Granda Ospedale Maggiore Policlinico
Classification: Likely benign for von Willebrand disease type 3. Last evaluated: 2020-11-01. Review status: no assertion criteria provided. Collection method: clinical testing. Allele origin: germline. Affected: yes. Study: Type 3 Von Willebrand International Registries Inhibitor Prospective Study (3WINTERS-IPS). Not counted in ClinVar's aggregate classification.
Comment: ClinGen Pathogenicity Calculator

Academic Unit of Haematology, University of Sheffield
No classification provided. Review status: no classification provided. Collection method: not provided. Allele origin: not provided. Not counted in ClinVar's aggregate classification.

Dr. Peter K. Rogan Lab, Western University
No classification provided (evidence only). Condition: Lung cancer. Review status: no classification provided. Collection method: in vitro. Allele origin: not applicable. Functional consequence: retained intron. Not counted in ClinVar's aggregate classification.

Dr. Peter K. Rogan Lab, Western University
No classification provided (evidence only). Condition: Pancreatic adenocarcinoma. Review status: no classification provided. Collection method: in vitro. Allele origin: not applicable. Functional consequence: retained intron. Not counted in ClinVar's aggregate classification.

Dr. Peter K. Rogan Lab, Western University
No classification provided (evidence only). Condition: Thymoma. Review status: no classification provided. Collection method: in vitro. Allele origin: not applicable. Functional consequence: retained intron. Not counted in ClinVar's aggregate classification.

Dr. Peter K. Rogan Lab, Western University
No classification provided (evidence only). Condition: Malignant tumor of esophagus. Review status: no classification provided. Collection method: in vitro. Allele origin: not applicable. Functional consequence: retained intron. Not counted in ClinVar's aggregate classification.

Literature cited by the submitters: PubMed 11057846 (cited by 4 submitters); PubMed 12737944 (cited by Mayo Clinic Laboratories, Mayo Clinic); PubMed 16985174 (cited by 3 submitters); PubMed 17080221 (cited by 3 submitters); PubMed 21251206 (cited by 4 submitters); PubMed 26988807 (cited by Mayo Clinic Laboratories, Mayo Clinic and Quest Diagnostics Nichols Institute San Juan Capistrano); PubMed 28971901 (cited by 3 submitters); PubMed 33550700 (cited by Mayo Clinic Laboratories, Mayo Clinic and Women's Health and Genetics/Laboratory Corporation of America, LabCorp).